The following is an entry in ClinVar:

NM_015662.3(IFT172):c.1938-6C>T

Gene: IFT172 (intraflagellar transport 172; minus strand). Cytogenetic location: 2p23.3.
Variant type: single nucleotide variant.
Coding change: c.1938-6C>T on transcript NM_015662.3 (MANE Select); 6 bases into the intron before coding-DNA position 1938, C replaced by T.
Molecular consequence: intron variant.
Genome position (GRCh38, 1-based): chr2:27,463,187, G>A on the plus strand (C>T on the coding strand, the complement: IFT172 is on the minus strand). VCF-style: chr2-27463187-G-A. GRCh37 (hg19) VCF-style: chr2-27686054-G-A.
Other names: c.1872-6C>T (NM_001410739.1).
Identifiers: ClinVar variation 3356194 (VCV003356194.1).

ClinVar aggregate classification (germline): Likely benign (0 of 4 stars; one submission).

Conditions:
IFT172-related disorder. Also called: IFT172-related disorders; IFT172-related condition.

Submission:

PreventionGenetics, part of Exact Sciences
Classification: Likely benign for IFT172-related condition. Last evaluated: 2023-07-28. Review status: no assertion criteria provided. Collection method: clinical testing. Allele origin: germline.
Comment: This variant is classified as likely benign based on ACMG/AMP sequence variant interpretation guidelines (Richards et al. 2015 PMID: 25741868, with internal and published modifications).